The following is an entry in ClinVar:

NM_006767.4(LZTR1):c.898G>A (p.Gly300Arg)

Gene: LZTR1 (leucine zipper like post translational regulator 1; plus strand). Cytogenetic location: 22q11.21.
Variant type: single nucleotide variant.
Coding change: c.898G>A on transcript NM_006767.4 (MANE Select); coding-DNA position 898, G replaced by A.
Protein change: p.Gly300Arg; replaces glycine 300 with arginine.
Molecular consequence: missense variant.
Genome position (GRCh38, 1-based): chr22:20,991,734, G>A. VCF-style: chr22-20991734-G-A. GRCh37 (hg19) VCF-style: chr22-21346023-G-A.
Other names: c.898G>A (NM_006767.3); short protein forms G300R.
Identifiers: ClinVar variation 1394933 (VCV001394933.11), dbSNP rs1569156022, ClinGen allele CA410781376.

ClinVar aggregate classification (germline): Conflicting classifications of pathogenicity. Review status: criteria provided, conflicting classifications (1 of 4 stars). 3 submissions from 3 submitters: Likely pathogenic (1); Uncertain significance (2). Last evaluated 2025-11-19.

Conditions:
Hereditary cancer-predisposing syndrome. Also called: Neoplastic Syndromes, Hereditary; Hereditary neoplastic syndrome; Tumor predisposition; Hereditary Cancer Syndrome. Identifiers: Orphanet 140162, MedGen C0027672, MeSH D009386, MONDO:0015356.
Cardiovascular phenotype. Identifiers: MedGen CN230736.
LZTR1-related schwannomatosis. Also called: Schwannomatosis 2; Schwannomatosis-2, susceptibility to. Identifiers: Orphanet 93921, MedGen C3810283, MONDO:0014299, OMIM 615670.

Allele frequency attached by ClinVar (database versions not stated): gnomAD 0.00001.

Submissions (3):

Ambry Genetics
Classification: Likely pathogenic for Cardiovascular phenotype; Hereditary cancer-predisposing syndrome. Last evaluated: 2025-11-19. Review status: criteria provided, single submitter. Criteria: Ambry Variant Classification Scheme 2023. Collection method: clinical testing. Allele origin: germline.
Comment: The c.898G>A variant (also known as p.G300R), located in coding exon 9 of the LZTR1 gene, results from a G to A substitution at nucleotide position 898. The glycine at codon 300 is replaced by arginine, an amino acid with dissimilar properties. This variant has been identified in the homozygous state and/or in conjunction with other LZTR1 variant(s) in individual(s) with features consistent with LZTR1-related Noonan syndrome; in at least one instance, the variants were identified in trans (Ambry internal data). This variant is considered to be rare based on population cohorts in the Genome Aggregation Database (gnomAD). This nucleotide position is highly conserved in available vertebrate species. In silico splice site analysis predicts that this alteration will result in the creation or strengthening of a novel splice acceptor site. RNA studies have demonstrated that this alteration results in a transcript predicted to lead to a protein with an in-frame deletion of 36 amino acids; however, the exact functional impact of the deleted amino acids is unknown at this time (Ambry internal data). This amino acid position is highly conserved in available vertebrate species. In addition, as a missense alteration, this alteration is predicted to be deleterious by in silico analysis. Based on the supporting evidence, this variant is likely pathogenic for an increased risk of LZTR1-related schwannomatosis (SWN) and would be expected to cause autosomal recessive Noonan syndrome when present along with a second pathogenic or likely pathogenic variant on the other allele.

Baylor Genetics
Classification: Uncertain significance for LZTR1-related schwannomatosis. Last evaluated: 2024-01-23. Review status: criteria provided, single submitter. Criteria: ACMG Guidelines, 2015. Collection method: clinical testing. Allele origin: unknown.

Labcorp Genetics (formerly Invitae), Labcorp
Classification: Uncertain significance. Last evaluated: 2023-12-18. Review status: criteria provided, single submitter. Criteria: Invitae Variant Classification Sherloc (09022015). Collection method: clinical testing. Allele origin: germline.
Comment: This sequence change replaces glycine, which is neutral and non-polar, with arginine, which is basic and polar, at codon 300 of the LZTR1 protein (p.Gly300Arg). This variant is not present in population databases (gnomAD no frequency). This variant has not been reported in the literature in individuals affected with LZTR1-related conditions. ClinVar contains an entry for this variant (Variation ID: 1394933). Advanced modeling of protein sequence and biophysical properties (such as structural, functional, and spatial information, amino acid conservation, physicochemical variation, residue mobility, and thermodynamic stability) performed at Invitae indicates that this missense variant is not expected to disrupt LZTR1 protein function with a negative predictive value of 80%. Algorithms developed to predict the effect of sequence changes on RNA splicing suggest that this variant may create or strengthen a splice site. In summary, the available evidence is currently insufficient to determine the role of this variant in disease. Therefore, it has been classified as a Variant of Uncertain Significance.